The following is an entry in ClinVar:

NM_015330.6(SPECC1L):c.1359C>T (p.Ser453=)

Genes: SPECC1L-ADORA2A (SPECC1L-ADORA2A readthrough (NMD candidate); plus strand), SPECC1L (sperm antigen with calponin homology and coiled-coil domains 1 like; plus strand). Cytogenetic location: 22q11.23.
Variant type: single nucleotide variant.
Coding change: c.1359C>T on transcript NM_015330.6 (MANE Select); coding-DNA position 1359, C replaced by T.
Protein change: p.Ser453=; no amino-acid change (serine 453 retained).
Molecular consequence: synonymous variant. On other transcripts: non-coding transcript variant (1).
Genome position (GRCh38, 1-based): chr22:24,322,339, C>T. VCF-style: chr22-24322339-C-T. GRCh37 (hg19) VCF-style: chr22-24718307-C-T.
Other names: c.1359C>T, p.Ser453= (NM_001145468.4, NM_001254732.3).
Identifiers: ClinVar variation 712283 (VCV000712283.40), dbSNP rs143055101, ClinGen allele CA10152103.

ClinVar aggregate classification (germline): Benign/Likely benign. Review status: criteria provided, multiple submitters, no conflicts (2 of 4 stars). 6 submissions from 6 submitters: Benign (3); Likely benign (3). Last evaluated 2026-01-21.

Conditions:
Oculomaxillofacial dysostosis (OBLFC1). Also called: OCULOMAXILLOFACIAL DYSPLASIA WITH OBLIQUE FACIAL CLEFTS. Identifiers: Orphanet 141258, Orphanet 1794, MedGen C1838348, MONDO:0015824, OMIM 600251.
Teebi hypertelorism syndrome 1. Identifiers: Orphanet 1519, MedGen CN306405, MONDO:0800025, OMIM 145420.

Allele frequency attached by ClinVar (database versions not stated): 1000 Genomes Project 30x 0.00359; TOPMed 0.00363; ESP Exome Variant Server 0.00431; gnomAD exomes 0.00046 and 0.00093; ExAC 0.00115; gnomAD 0.00320 and 0.00343; 1000 Genomes Project 0.00359.
gnomAD v4.1: 1,200 of 1,614,124 alleles (0.074%); highest among the groups gnomAD compares: African/African-American, 1.2%; 6 homozygotes.

Submissions (6):

Labcorp Genetics (formerly Invitae), Labcorp
Classification: Benign. Last evaluated: 2026-01-21. Review status: criteria provided, single submitter. Criteria: Invitae Variant Classification Sherloc (09022015). Collection method: clinical testing. Allele origin: germline.

Blueprint Genetics
Classification: Likely benign. Last evaluated: 2024-10-22. Review status: criteria provided, single submitter. Criteria: ACMG Guidelines, 2015. Collection method: clinical testing. Allele origin: germline.

CeGaT Center for Human Genetics Tuebingen
Classification: Likely benign. Last evaluated: 2024-08-01. Review status: criteria provided, single submitter. Criteria: CeGaT Center For Human Genetics Tuebingen Variant Classification Criteria Version 2. Collection method: clinical testing. Allele origin: germline. Affected: yes. Observed: 2 variant alleles.
Comment: SPECC1L: BP4, BP7, BS1

Genetic Services Laboratory, University of Chicago
Classification: Benign. Last evaluated: 2021-12-10. Review status: criteria provided, single submitter. Criteria: ACMG Guidelines, 2015. Collection method: clinical testing. Allele origin: germline. Affected: no.

Fulgent Genetics
Classification: Likely benign for Teebi hypertelorism syndrome 1; Oculomaxillofacial dysostosis. Last evaluated: 2021-08-12. Review status: criteria provided, single submitter. Criteria: ACMG Guidelines, 2015. Collection method: clinical testing. Allele origin: unknown.

Breakthrough Genomics
Classification: Benign. Review status: criteria provided, single submitter. Criteria: ACMG Guidelines, 2015. Collection method: not provided. Allele origin: germline. Inheritance: Autosomal dominant inheritance. Affected: yes.